The following is an entry in ClinVar:

ClinVar aggregate classification (germline): Uncertain significance (1 of 4 stars; one submission).

Allele frequency attached by ClinVar (database versions not stated): gnomAD exomes below 0.00001; TOPMed 0.00001.
gnomAD v4.1: 2 of 1,613,412 alleles (0.00012%); highest among the groups gnomAD compares: Non-Finnish European, 0.000085%; no homozygotes.

Submission:

Labcorp Genetics (formerly Invitae), Labcorp
Classification: Uncertain significance. Last evaluated: 2022-07-12. Review status: criteria provided, single submitter. Criteria: Invitae Variant Classification Sherloc (09022015). Collection method: clinical testing. Allele origin: germline.
Comment: In summary, the available evidence is currently insufficient to determine the role of this variant in disease. Therefore, it has been classified as a Variant of Uncertain Significance. Algorithms developed to predict the effect of missense changes on protein structure and function are either unavailable or do not agree on the potential impact of this missense change (SIFT: "Not Available"; PolyPhen-2: "Probably Damaging"; Align-GVGD: "Not Available"). ClinVar contains an entry for this variant (Variation ID: 1374588). This variant has not been reported in the literature in individuals affected with CIB2-related conditions. This variant is present in population databases (no rsID available, gnomAD 0.007%). This sequence change replaces aspartic acid, which is acidic and polar, with asparagine, which is neutral and polar, at codon 93 of the CIB2 protein (p.Asp93Asn).

NM_006383.4(CIB2):c.277G>A (p.Asp93Asn)

Gene: CIB2 (calcium and integrin binding family member 2; minus strand). Cytogenetic location: 15q25.1.
Variant type: single nucleotide variant.
Coding change: c.277G>A on transcript NM_006383.4 (MANE Select); coding-DNA position 277, G replaced by A.
Protein change: p.Asp93Asn; replaces aspartic acid 93 with asparagine.
Molecular consequence: missense variant. On other transcripts: non-coding transcript variant (1).
Genome position (GRCh38, 1-based): chr15:78,109,304, C>T on the plus strand (G>A on the coding strand, the complement: CIB2 is on the minus strand). VCF-style: chr15-78109304-C-T. GRCh37 (hg19) VCF-style: chr15-78401646-C-T.
Other names: c.148G>A, p.Asp50Asn (NM_001271888.2); c.130G>A, p.Asp44Asn (NM_001271889.2); c.292G>A, p.Asp98Asn (NM_001301224.2); short protein forms D44N, D93N, D98N, D50N.
Identifiers: ClinVar variation 1374588 (VCV001374588.8), dbSNP rs1161101217, ClinGen allele CA393546897.